The following is an entry in ClinVar:

NM_001113378.2(FANCI):c.998C>T (p.Ser333Leu)

Gene: FANCI (FA complementation group I; plus strand). Cytogenetic location: 15q26.1.
Variant type: single nucleotide variant.
Coding change: c.998C>T on transcript NM_001113378.2 (MANE Select); coding-DNA position 998, C replaced by T.
Protein change: p.Ser333Leu; replaces serine 333 with leucine.
Molecular consequence: missense variant.
Genome position (GRCh38, 1-based): chr15:89,274,190, C>T. VCF-style: chr15-89274190-C-T. GRCh37 (hg19) VCF-style: chr15-89817421-C-T.
Other names: c.719C>T, p.Ser240Leu (NM_001376910.1); c.998C>T, p.Ser333Leu (NM_001376911.1, NM_018193.3); short protein forms S240L, S333L.
Identifiers: ClinVar variation 1434688 (VCV001434688.4), dbSNP rs761982725, ClinGen allele CA7722900.

ClinVar aggregate classification (germline): Uncertain significance. Review status: criteria provided, multiple submitters, no conflicts (2 of 4 stars). 2 submissions from 2 submitters: Uncertain significance (2). Last evaluated 2022-10-05.

Conditions:
Fanconi anemia (FA). Also called: Fanconi's anemia. Identifiers: Orphanet 84, MedGen C0015625, MeSH D005199, MONDO:0019391.

Allele frequency attached by ClinVar (database versions not stated): ExAC 0.00013.

Submissions (2):

Labcorp Genetics (formerly Invitae), Labcorp
Classification: Uncertain significance for Fanconi anemia. Last evaluated: 2022-10-05. Review status: criteria provided, single submitter. Criteria: Invitae Variant Classification Sherloc (09022015). Collection method: clinical testing. Allele origin: germline.
Comment: This sequence change replaces serine, which is neutral and polar, with leucine, which is neutral and non-polar, at codon 333 of the FANCI protein (p.Ser333Leu). This variant is present in population databases (rs761982725, gnomAD 0.004%). This variant has not been reported in the literature in individuals affected with FANCI-related conditions. ClinVar contains an entry for this variant (Variation ID: 1434688). Advanced modeling of protein sequence and biophysical properties (such as structural, functional, and spatial information, amino acid conservation, physicochemical variation, residue mobility, and thermodynamic stability) performed at Invitae indicates that this missense variant is not expected to disrupt FANCI protein function. In summary, the available evidence is currently insufficient to determine the role of this variant in disease. Therefore, it has been classified as a Variant of Uncertain Significance.

Sema4
Classification: Uncertain significance for Fanconi anemia. Last evaluated: 2021-04-03. Review status: criteria provided, single submitter. Criteria: Sema4 Curation Guidelines. Collection method: curation. Allele origin: germline.
Comment: The FANCI c.998C>T (p.S333L) variant has not been reported in the literature to our knowledge. It was observed in 1/23418 chromosomes of the Finnish subpopulation in the large and broad cohorts of the Genome Aggregation Database. The variant has not been reported in ClinVar. In silico tools suggest the impact of the variant on protein function is benign, though these predictions have not been confirmed by functional studies. The evidence is insufficient to meet ACMG/AMP criteria for classifying the variant as benign or pathogenic. Thus, the clinical significance of this variant is currently uncertain.